The following is an entry in ClinVar:

ClinVar aggregate classification (germline): Uncertain significance. Review status: criteria provided, multiple submitters, no conflicts (2 of 4 stars). 4 submissions from 4 submitters: Uncertain significance (4). Last evaluated 2026-07-29.

Conditions:
Hereditary pheochromocytoma and paraganglioma. Also called: Hereditary pheochromocytoma-paraganglioma; Hereditary Paraganglioma-Pheochromocytoma Syndromes; Hereditary paragangliomas and pheochromocytomas. Identifiers: Orphanet 29072, MedGen C4274332, MONDO:0017366.
Pheochromocytoma/paraganglioma syndrome 4. Also called: SDHB-Related Hereditary Paraganglioma-Pheochromocytoma Syndrome (Paragangliomas 4); SDHB-Related Hereditary Paraganglioma-Pheochromocytoma Syndrome; PARAGANGLIOMA, FAMILIAL MALIGNANT; PARAGANGLIOMAS, HEREDITARY EXTRAADRENAL; PHEOCHROMOCYTOMA, FAMILIAL EXTRAADRENAL; Paragangliomas 4. Identifiers: Orphanet 29072, MedGen C1861848, MONDO:0007273, OMIM 115310.
Gastrointestinal stromal tumor. Also called: Gastrointestinal stromal tumor, somatic; Gastrointestinal stroma tumor. Identifiers: Orphanet 44890, MedGen C0238198, MeSH D046152, MONDO:0011719, OMIM 606764, HP:0100723.
Pheochromocytoma. Also called: MAX-Related Hereditary Paraganglioma-Pheochromocytoma Syndrome. Identifiers: Orphanet 29072, MedGen C0031511, MONDO:0008233, OMIM 171300, HP:0002666.
Hereditary cancer-predisposing syndrome. Also called: Neoplastic Syndromes, Hereditary; Hereditary Cancer Syndrome; Hereditary neoplastic syndrome; Tumor predisposition. Identifiers: Orphanet 140162, MedGen C0027672, MeSH D009386, MONDO:0015356.

Submissions (4):

Ambry Genetics
Classification: Uncertain significance for Hereditary cancer-predisposing syndrome. Last evaluated: 2026-07-29. Review status: criteria provided, single submitter. Criteria: Ambry Variant Classification Scheme 2023. Collection method: clinical testing. Allele origin: germline.
Comment: The p.Q149R variant (also known as c.446A>G), located in coding exon 5 of the SDHB gene, results from an A to G substitution at nucleotide position 446. The glutamine at codon 149 is replaced by arginine, an amino acid with highly similar properties. This amino acid position is conserved. In addition, this alteration is predicted to be deleterious by in silico analysis. Since supporting evidence is limited at this time, the clinical significance of this alteration remains unclear.

Labcorp Genetics (formerly Invitae), Labcorp
Classification: Uncertain significance for Gastrointestinal stromal tumor; Pheochromocytoma/paraganglioma syndrome 4; Pheochromocytoma. Last evaluated: 2025-11-05. Review status: criteria provided, single submitter. Criteria: Invitae Variant Classification Sherloc (09022015). Collection method: clinical testing. Allele origin: germline.
Comment: This sequence change replaces glutamine, which is neutral and polar, with arginine, which is basic and polar, at codon 149 of the SDHB protein (p.Gln149Arg). This variant is not present in population databases (gnomAD no frequency). This variant has not been reported in the literature in individuals affected with SDHB-related conditions. ClinVar contains an entry for this variant (Variation ID: 659744). Invitae Evidence Modeling of protein sequence and biophysical properties (such as structural, functional, and spatial information, amino acid conservation, physicochemical variation, residue mobility, and thermodynamic stability) indicates that this missense variant is expected to disrupt SDHB protein function with a positive predictive value of 80%. In summary, the available evidence is currently insufficient to determine the role of this variant in disease. Therefore, it has been classified as a Variant of Uncertain Significance.

All of Us Research Program, National Institutes of Health
Classification: Uncertain significance for Hereditary pheochromocytoma and paraganglioma. Last evaluated: 2024-04-25. Review status: criteria provided, single submitter. Criteria: ACMG Guidelines, 2015. Collection method: clinical testing. Allele origin: germline. Inheritance: Autosomal dominant inheritance. Observed: 1 variant allele, 1 heterozygote.
Comment: This missense variant replaces glutamine with arginine at codon 149 of the SDHB protein. Computational prediction suggests that this variant may have deleterious impact on protein structure and function (internally defined REVEL score threshold >= 0.7, PMID: 27666373). To our knowledge, functional studies have not been reported for this variant. This variant has not been reported in individuals affected with SDHB-related disorders in the literature. This variant has not been identified in the general population by the Genome Aggregation Database (gnomAD). The available evidence is insufficient to determine the role of this variant in disease conclusively. Therefore, this variant is classified as a Variant of Uncertain Significance.

This study involves interpretation of variants in research participants for the purpose of population health screening. Participant phenotype was not available at the time of variant classification. Additional details can be found in publication PMID: 35346344, PMCID: PMC8962531

GeneDx
Classification: Uncertain significance. Last evaluated: 2020-01-13. Review status: criteria provided, single submitter. Criteria: GeneDx Variant Classification Process June 2021. Collection method: clinical testing. Allele origin: germline. Affected: yes.
Comment: Not observed in large population cohorts (Lek 2016); In silico analysis, which includes protein predictors and evolutionary conservation, supports a deleterious effect; Has not been previously published as pathogenic or benign to our knowledge

NM_003000.3(SDHB):c.446A>G (p.Gln149Arg)

Gene: SDHB (succinate dehydrogenase complex iron sulfur subunit B; minus strand). Cytogenetic location: 1p36.13.
Variant type: single nucleotide variant.
Coding change: c.446A>G on transcript NM_003000.3 (MANE Select); coding-DNA position 446, A replaced by G.
Protein change: p.Gln149Arg; replaces glutamine 149 with arginine.
Molecular consequence: missense variant.
Genome position (GRCh38, 1-based): chr1:17,027,843, T>C on the plus strand (A>G on the coding strand, the complement: SDHB is on the minus strand). VCF-style: chr1-17027843-T-C. GRCh37 (hg19) VCF-style: chr1-17354338-T-C.
Other names: short protein forms Q149R.
Identifiers: ClinVar variation 659744 (VCV000659744.14), dbSNP rs1570947984, ClinGen allele CA338273300.